The following is an entry in ClinVar:

ClinVar aggregate classification (germline): Likely benign (1 of 4 stars; one submission).

Submission:

CeGaT Center for Human Genetics Tuebingen
Classification: Likely benign. Last evaluated: 2025-12-01. Review status: criteria provided, single submitter. Criteria: CeGaT Center For Human Genetics Tuebingen Variant Classification Criteria Version 2. Collection method: clinical testing. Allele origin: germline. Affected: yes. Observed: 1 variant allele.
Comment: SLC9A3: PM2:Supporting, BP4, BP7

NM_004174.4(SLC9A3):c.*289G>C

Gene: SLC9A3 (solute carrier family 9 member A3). Cytogenetic location: 5p15.33.
Variant type: single nucleotide variant.
Coding change: c.*289G>C on transcript NM_004174.4 (MANE Select); 289 bases downstream of the stop codon, G replaced by C.
Molecular consequence: 3 prime UTR variant.
Genome position (GRCh38, 1-based): chr5:473,090, C>G on the plus strand (G>C on the coding strand, the complement: SLC9A3 is on the minus strand). VCF-style: chr5-473090-C-G. GRCh37 (hg19) VCF-style: chr5-473205-C-G.
Other names: c.*289G>C (NM_001284351.3).
Identifiers: ClinVar variation 4681956 (VCV004681956.5).